The following is an entry in ClinVar:

ClinVar aggregate classification (germline): Uncertain significance (1 of 4 stars; one submission).

gnomAD v4.1: 1 of 1,611,154 alleles (0.000062%); no homozygotes.

Submission:

Labcorp Genetics (formerly Invitae), Labcorp
Classification: Uncertain significance. Last evaluated: 2024-09-24. Review status: criteria provided, single submitter. Criteria: Invitae Variant Classification Sherloc (09022015). Collection method: clinical testing. Allele origin: germline.
Comment: This sequence change affects codon 325 of the IL6ST mRNA. It is a 'silent' change, meaning that it does not change the encoded amino acid sequence of the IL6ST protein. It affects a nucleotide within the consensus splice site. This variant is not present in population databases (gnomAD no frequency). This variant has not been reported in the literature in individuals affected with IL6ST-related conditions. Algorithms developed to predict the effect of sequence changes on RNA splicing suggest that this variant is not likely to affect RNA splicing. In summary, the available evidence is currently insufficient to determine the role of this variant in disease. Therefore, it has been classified as a Variant of Uncertain Significance.

NM_002184.4(IL6ST):c.973A>C (p.Arg325=)

Gene: IL6ST (interleukin 6 cytokine family signal transducer; minus strand). Cytogenetic location: 5q11.2.
Variant type: single nucleotide variant.
Coding change: c.973A>C on transcript NM_002184.4 (MANE Select); coding-DNA position 973, A replaced by C.
Protein change: p.Arg325=; no amino-acid change (arginine 325 retained).
Molecular consequence: synonymous variant. On other transcripts: non-coding transcript variant (2), missense variant (1).
Genome position (GRCh38, 1-based): chr5:55,960,402, T>G on the plus strand (A>C on the coding strand, the complement: IL6ST is on the minus strand). VCF-style: chr5-55960402-T-G. GRCh37 (hg19) VCF-style: chr5-55256230-T-G.
Other names: c.973A>C, p.Arg325= (NM_001190981.2, NM_001364275.2); c.763A>C, p.Arg255= (NM_001364276.2); c.60A>C, p.Ile20= (NM_001364277.2, NM_001364279.2); c.70A>C, p.Arg24= (NM_001364278.2); c.973A>C, p.Asn325His (NM_175767.3); short protein forms N325H.
Identifiers: ClinVar variation 3609493 (VCV003609493.2).